The following is an entry in ClinVar:

NM_005591.4(MRE11):c.336A>C (p.Gln112His)

Gene: MRE11 (MRE11 double strand break repair nuclease; minus strand). Cytogenetic location: 11q21.
Variant type: single nucleotide variant.
Coding change: c.336A>C on transcript NM_005591.4 (MANE Select); coding-DNA position 336, A replaced by C.
Protein change: p.Gln112His; replaces glutamine 112 with histidine.
Molecular consequence: missense variant.
Genome position (GRCh38, 1-based): chr11:94,479,740, T>G on the plus strand (A>C on the coding strand, the complement: MRE11 is on the minus strand). VCF-style: chr11-94479740-T-G. GRCh37 (hg19) VCF-style: chr11-94212906-T-G.
Other names: c.336A>C, p.Gln112His (NM_001330347.2, NM_005590.4); short protein forms Q112H.
Identifiers: ClinVar variation 1800003 (VCV001800003.2), dbSNP rs772523562, ClinGen allele CA226537896.
Genomic context (GRCh38, chr11:94,479,740, plus strand): 5'-GGGATCGTCATGATTGCCATGAATACTAAACACTGGAATTGAAATGTTGAGGTTGCCATC[T>G]TGATAGTTCACCCATGGAAACCTTAAAAAAAAAAAGTTACTTAAAATTTCCATACGGGAC-3'
Protein context (NP_005582.1, residues 102-122): GFSKFPWVNY[Gln112His]DGNLNISIPV

ClinVar aggregate classification (germline): Uncertain significance (1 of 4 stars; one submission).

Conditions:
Hereditary cancer-predisposing syndrome. Also called: Neoplastic Syndromes, Hereditary; Tumor predisposition; Hereditary Cancer Syndrome; Hereditary neoplastic syndrome. Identifiers: Orphanet 140162, MedGen C0027672, MeSH D009386, MONDO:0015356.

Submission:

Ambry Genetics
Classification: Uncertain significance for Hereditary cancer-predisposing syndrome. Last evaluated: 2022-03-11. Review status: criteria provided, single submitter. Criteria: Ambry Variant Classification Scheme 2023. Collection method: clinical testing. Allele origin: germline.
Comment: The p.Q112H variant (also known as c.336A>C), located in coding exon 4 of the MRE11A gene, results from an A to C substitution at nucleotide position 336. The glutamine at codon 112 is replaced by histidine, an amino acid with highly similar properties. This amino acid position is conserved. In addition, the in silico prediction for this alteration is inconclusive. Since supporting evidence is limited at this time, the clinical significance of this alteration remains unclear.